The following is an entry in ClinVar:

NM_152383.5(DIS3L2):c.1488T>C (p.His496=)

Gene: DIS3L2 (DIS3 like 3'-5' exoribonuclease 2; plus strand). Cytogenetic location: 2q37.1.
Variant type: single nucleotide variant.
Coding change: c.1488T>C on transcript NM_152383.5 (MANE Select); coding-DNA position 1488, T replaced by C.
Protein change: p.His496=; no amino-acid change (histidine 496 retained).
Molecular consequence: synonymous variant. On other transcripts: non-coding transcript variant (2).
Genome position (GRCh38, 1-based): chr2:232,263,269, T>C. VCF-style: chr2-232263269-T-C. GRCh37 (hg19) VCF-style: chr2-233127979-T-C.
Other names: p.His496=; c.1488T>C, p.His496= (NM_001257281.2).
Identifiers: ClinVar variation 241962 (VCV000241962.21), dbSNP rs72998118, ClinGen allele CA2164170.

ClinVar aggregate classification (germline): Benign/Likely benign. Review status: criteria provided, multiple submitters, no conflicts (2 of 4 stars). 9 submissions from 9 submitters: Benign (3); Likely benign (4). 2 of the submissions do not count toward it. Last evaluated 2026-02-03.

Conditions:
Perlman syndrome (PRLMNS). Identifiers: Orphanet 2849, MedGen C0796113, MONDO:0009965, OMIM 267000.

Allele frequency attached by ClinVar (database versions not stated): 1000 Genomes Project 0.00499; 1000 Genomes Project 30x 0.00500; TOPMed 0.00957; ExAC 0.01147; gnomAD 0.01204 and 0.01233; gnomAD exomes 0.01210 and 0.01520; ESP Exome Variant Server 0.01256.
gnomAD v4.1: 23,938 of 1,614,224 alleles (1.5%); highest among the groups gnomAD compares: Non-Finnish European, 1.7%; 247 homozygotes.

Submissions (9):

Labcorp Genetics (formerly Invitae), Labcorp
Classification: Benign for Perlman syndrome. Last evaluated: 2026-02-03. Review status: criteria provided, single submitter. Criteria: Invitae Variant Classification Sherloc (09022015). Collection method: clinical testing. Allele origin: germline.

Blueprint Genetics
Classification: Likely benign. Last evaluated: 2024-11-26. Review status: criteria provided, single submitter. Criteria: ACMG Guidelines, 2015. Collection method: clinical testing. Allele origin: germline.

Mayo Clinic Laboratories, Mayo Clinic
Classification: Benign. Last evaluated: 2024-05-09. Review status: criteria provided, single submitter. Criteria: ACMG Guidelines, 2015. Collection method: clinical testing. Allele origin: germline. Observed: 6 variant alleles.
Comment: BS1, BS2, BP4, BP7

Fulgent Genetics
Classification: Likely benign for Perlman syndrome. Last evaluated: 2021-11-10. Review status: criteria provided, single submitter. Criteria: ACMG Guidelines, 2015. Collection method: clinical testing. Allele origin: unknown.

GeneDx
Classification: Likely benign. Last evaluated: 2020-10-23. Review status: criteria provided, single submitter. Criteria: GeneDx Variant Classification Process June 2021. Collection method: clinical testing. Allele origin: germline. Affected: yes.

Illumina Laboratory Services, Illumina
Classification: Benign for Perlman syndrome. Last evaluated: 2018-01-12. Review status: criteria provided, single submitter. Criteria: ICSL Variant Classification Criteria 13 December 2019. Collection method: clinical testing. Allele origin: germline.
Comment: This variant was observed in the ICSL laboratory as part of a predisposition screen in an ostensibly healthy population. It had not been previously curated by ICSL or reported in the Human Gene Mutation Database (HGMD: prior to June 1st, 2018), and was therefore a candidate for classification through an automated scoring system. Utilizing variant allele frequency, disease prevalence and penetrance estimates, and inheritance mode, an automated score was calculated to assess if this variant is too frequent to cause the disease. Based on the score and internal cut-off values, a variant classified as benign is not then subjected to further curation. The score for this variant resulted in a classification of benign for this disease.

Breakthrough Genomics
Classification: Likely benign. Review status: criteria provided, single submitter. Criteria: ACMG Guidelines, 2015. Collection method: not provided. Allele origin: germline. Inheritance: Autosomal recessive inheritance. Affected: yes.

Genome Diagnostics Laboratory, Amsterdam University Medical Center
Classification: Benign. Review status: no assertion criteria provided. Collection method: clinical testing. Allele origin: germline. Affected: yes. Study: VKGL Data-share Consensus. Not counted in ClinVar's aggregate classification.

Laboratory of Diagnostic Genome Analysis, Leiden University Medical Center (LUMC)
Classification: Likely benign. Review status: no assertion criteria provided. Collection method: clinical testing. Allele origin: germline. Affected: yes. Study: VKGL Data-share Consensus. Not counted in ClinVar's aggregate classification.